The following is an entry in ClinVar:

ClinVar aggregate classification (germline): Uncertain significance. Review status: criteria provided, multiple submitters, no conflicts (2 of 4 stars). 3 submissions from 3 submitters: Uncertain significance (3). Last evaluated 2026-06-10.

Conditions:
RYR1-related disorder. Also called: RYR1-related condition; RYR1-related disorders. Identifiers: MedGen CN239331.
Inborn genetic diseases. Identifiers: MedGen C0950123, MeSH D030342.
Malignant hyperthermia, susceptibility to, 1 (MHS1). Also called: Malignant hyperthermia suceptibility 1; Anesthesia related hyperthermia; Malignant hyperpyrexia; Fulminating hyperpyrexia; Pharmacogenic myopathy; RYR1-Related Malignant Hyperthermia Susceptibility. Identifiers: Orphanet 423, MedGen C2930980, MONDO:0007783, OMIM 145600.

Allele frequency attached by ClinVar (database versions not stated): gnomAD 0.00002; gnomAD exomes below 0.00001; ExAC 0.00001; TOPMed below 0.00001.
gnomAD v4.1: 4 of 1,350,288 alleles (0.0003%); highest among the groups gnomAD compares: Non-Finnish European, 0.00039%; no homozygotes.

Submissions (3):

Ambry Genetics
Classification: Uncertain significance for Inborn genetic diseases. Last evaluated: 2026-06-10. Review status: criteria provided, single submitter. Criteria: Ambry Variant Classification Scheme 2023. Collection method: clinical testing. Allele origin: germline.

Labcorp Genetics (formerly Invitae), Labcorp
Classification: Uncertain significance for RYR1-related disorder. Last evaluated: 2024-03-22. Review status: criteria provided, single submitter. Criteria: Invitae Variant Classification Sherloc (09022015). Collection method: clinical testing. Allele origin: germline.
Comment: This sequence change replaces isoleucine, which is neutral and non-polar, with phenylalanine, which is neutral and non-polar, at codon 4660 of the RYR1 protein (p.Ile4660Phe). This variant is not present in population databases (gnomAD no frequency). This variant has not been reported in the literature in individuals affected with RYR1-related conditions. ClinVar contains an entry for this variant (Variation ID: 1039548). Advanced modeling of protein sequence and biophysical properties (such as structural, functional, and spatial information, amino acid conservation, physicochemical variation, residue mobility, and thermodynamic stability) has been performed at Invitae for this missense variant, however the output from this modeling did not meet the statistical confidence thresholds required to predict the impact of this variant on RYR1 protein function. In summary, the available evidence is currently insufficient to determine the role of this variant in disease. Therefore, it has been classified as a Variant of Uncertain Significance.

Color Diagnostics, LLC DBA Color Health
Classification: Uncertain significance for Malignant hyperthermia, susceptibility to, 1. Last evaluated: 2024-01-29. Review status: criteria provided, single submitter. Criteria: ACMG Guidelines, 2015. Collection method: clinical testing. Allele origin: germline.
Comment: This missense variant replaces isoleucine with phenylalanine at codon 4660 of the RYR1 protein. Computational prediction suggests that this variant may have deleterious impact on protein structure and function. To our knowledge, functional studies have not been reported for this variant. This variant has not been reported in individuals affected with RYR1-related disorders in the literature. This variant has been identified in 1/251248 chromosomes in the general population by the Genome Aggregation Database (gnomAD). The available evidence is insufficient to determine the role of this variant in disease conclusively. Therefore, this variant is classified as a Variant of Uncertain Significance.

NM_000540.3(RYR1):c.13978A>T (p.Ile4660Phe)

Gene: RYR1 (ryanodine receptor 1; plus strand). Cytogenetic location: 19q13.2.
Variant type: single nucleotide variant.
Coding change: c.13978A>T on transcript NM_000540.3 (MANE Select); coding-DNA position 13978, A replaced by T.
Protein change: p.Ile4660Phe; replaces isoleucine 4660 with phenylalanine.
Molecular consequence: missense variant.
Genome position (GRCh38, 1-based): chr19:38,572,250, A>T. VCF-style: chr19-38572250-A-T. GRCh37 (hg19) VCF-style: chr19-39062890-A-T.
Other names: c.13978A>T (NM_000540.2); c.13963A>T, p.Ile4655Phe (NM_001042723.2); short protein forms I4660F, I4655F.
Identifiers: ClinVar variation 1039548 (VCV001039548.9), dbSNP rs776977485, ClinGen allele CA060681.